The following is an entry in ClinVar:

ClinVar aggregate classification (germline): Uncertain significance (1 of 4 stars; one submission).

Conditions:
Combined immunodeficiency due to LRBA deficiency. Also called: Common variable immunodeficiency 8, with autoimmunity. Identifiers: Orphanet 445018, MedGen C3553512, MONDO:0013863, OMIM 614700.

Allele frequency attached by ClinVar (database versions not stated): gnomAD exomes below 0.00001; TOPMed below 0.00001.
gnomAD v4.1: 2 of 1,571,680 alleles (0.00013%); highest among the groups gnomAD compares: Non-Finnish European, 0.00017%; no homozygotes.

Submission:

Labcorp Genetics (formerly Invitae), Labcorp
Classification: Uncertain significance for Combined immunodeficiency due to LRBA deficiency. Last evaluated: 2020-08-22. Review status: criteria provided, single submitter. Criteria: Invitae Variant Classification Sherloc (09022015). Collection method: clinical testing. Allele origin: germline.
Comment: Nucleotide substitutions within the consensus splice site are a relatively common cause of aberrant splicing (PMID: 17576681, 9536098). Algorithms developed to predict the effect of sequence changes on RNA splicing suggest that this variant is not likely to affect RNA splicing, but this prediction has not been confirmed by published transcriptional studies. In summary, the available evidence is currently insufficient to determine the role of this variant in disease. Therefore, it has been classified as a Variant of Uncertain Significance. This sequence change falls in intron 31 of the LRBA gene. It does not directly change the encoded amino acid sequence of the LRBA protein, but it affects a nucleotide within the consensus splice site of the intron. This variant is not present in population databases (ExAC no frequency). This variant has not been reported in the literature in individuals with LRBA-related conditions.

Literature cited by the submitters: PubMed 17576681; PubMed 9536098.

NM_001364905.1(LRBA):c.5306-3T>C

Gene: LRBA (LPS responsive beige-like anchor protein; minus strand). Cytogenetic location: 4q31.3.
Variant type: single nucleotide variant.
Coding change: c.5306-3T>C on transcript NM_001364905.1 (MANE Select); 3 bases into the intron before coding-DNA position 5306, T replaced by C.
Molecular consequence: intron variant.
Genome position (GRCh38, 1-based): chr4:150,808,401, A>G on the plus strand (T>C on the coding strand, the complement: LRBA is on the minus strand). VCF-style: chr4-150808401-A-G. GRCh37 (hg19) VCF-style: chr4-151729553-A-G.
Other names: c.5306-3T>C (NM_001367550.1, NM_006726.5, NM_001199282.3 and 2 more transcripts).
Identifiers: ClinVar variation 1005459 (VCV001005459.6), dbSNP rs1743112710, ClinGen allele CA1503619641.